The following is an entry in ClinVar:

NM_001349206.2(LPIN1):c.2163A>G (p.Arg721=)

Gene: LPIN1 (lipin 1; plus strand). Cytogenetic location: 2p25.1.
Variant type: single nucleotide variant.
Coding change: c.2163A>G on transcript NM_001349206.2 (MANE Select); coding-DNA position 2163, A replaced by G.
Protein change: p.Arg721=; no amino-acid change (arginine 721 retained).
Molecular consequence: synonymous variant. On other transcripts: non-coding transcript variant (1).
Genome position (GRCh38, 1-based): chr2:11,805,070, A>G. VCF-style: chr2-11805070-A-G. GRCh37 (hg19) VCF-style: chr2-11945196-A-G.
Other names: c.2073A>G, p.Arg691= (NM_001261427.3); c.2310A>G, p.Arg770= (NM_001261428.3); c.2055A>G, p.Arg685= (NM_001349199.2, NM_145693.4); c.2133A>G, p.Arg711= (NM_001349200.2, NM_001349201.2); c.2160A>G, p.Arg720= (NM_001349202.2, NM_001349203.2); c.2163A>G, p.Arg721= (NM_001349204.2, NM_001349205.2); c.2253A>G, p.Arg751= (NM_001349207.2); c.2202A>G, p.Arg734= (NM_001349208.2).
Identifiers: ClinVar variation 517714 (VCV000517714.5), dbSNP rs369969697, ClinGen allele CA1534019.
Genomic context (GRCh38, chr2:11,805,070, plus strand): 5'-ATGGTGCAATGAATCTGAAAGGGATTTTTACTTTATTTTTCTCTTTTCCTCTTCATTTAG[A>G]TCAGATACTCTTGGCCACATTTTGCCCACCCTTGGGAAGGATTGGACCCATCAGGGCATC-3'
Protein context (NP_001336135.1, residues 711-731): IISDIDGTIT[Arg721=]SDTLGHILPT

ClinVar aggregate classification (germline): Conflicting classifications of pathogenicity. Review status: criteria provided, conflicting classifications (1 of 4 stars). 4 submissions from 4 submitters: Uncertain significance (2); Likely benign (2). Last evaluated 2024-07-15.

Conditions:
Myoglobinuria, acute recurrent, autosomal recessive. Also called: RHABDOMYOLYSIS, ACUTE RECURRENT; MYOGLOBINURIA, FAMILIAL PAROXYSMAL PARALYTIC; Myoglobinuria, recurrent, autosomal recessive. Identifiers: Orphanet 99845, MedGen C1849386, MONDO:0009992, OMIM 268200.

Allele frequency attached by ClinVar (database versions not stated): gnomAD exomes 0.00005; ExAC 0.00007; ESP Exome Variant Server 0.00008; TOPMed 0.00010; gnomAD 0.00014.
gnomAD v4.1: 196 of 1,597,360 alleles (0.012%); highest among the groups gnomAD compares: Non-Finnish European, 0.016%; 1 homozygote.

Submissions (4):

Blueprint Genetics
Classification: Likely benign. Last evaluated: 2024-07-15. Review status: criteria provided, single submitter. Criteria: ACMG Guidelines, 2015. Collection method: clinical testing. Allele origin: germline.

Fulgent Genetics
Classification: Uncertain significance for Myoglobinuria, acute recurrent, autosomal recessive. Last evaluated: 2024-06-06. Review status: criteria provided, single submitter. Criteria: ACMG Guidelines, 2015. Collection method: clinical testing. Allele origin: germline.

Labcorp Genetics (formerly Invitae), Labcorp
Classification: Uncertain significance. Last evaluated: 2021-12-21. Review status: criteria provided, single submitter. Criteria: Invitae Variant Classification Sherloc (09022015). Collection method: clinical testing. Allele origin: germline.
Comment: This sequence change affects codon 685 of the LPIN1 mRNA. It is a 'silent' change, meaning that it does not change the encoded amino acid sequence of the LPIN1 protein. It affects a nucleotide within the consensus splice site. This variant is present in population databases (rs369969697, gnomAD 0.01%). This variant has not been reported in the literature in individuals affected with LPIN1-related conditions. ClinVar contains an entry for this variant (Variation ID: 517714). Algorithms developed to predict the effect of sequence changes on RNA splicing suggest that this variant may create or strengthen a splice site. In summary, the available evidence is currently insufficient to determine the role of this variant in disease. Therefore, it has been classified as a Variant of Uncertain Significance.

GeneDx
Classification: Likely benign. Last evaluated: 2017-02-16. Review status: criteria provided, single submitter. Criteria: GeneDx Variant Classification (06012015). Collection method: clinical testing. Allele origin: germline. Affected: yes.
Comment: This variant is considered likely benign or benign based on one or more of the following criteria: it is a conservative change, it occurs at a poorly conserved position in the protein, it is predicted to be benign by multiple in silico algorithms, and/or has population frequency not consistent with disease.